The following is an entry in ClinVar:

NM_000051.4(ATM):c.5755C>T (p.Gln1919Ter)

Gene: ATM (ATM serine/threonine kinase; plus strand). Cytogenetic location: 11q22.3.
Variant type: single nucleotide variant.
Coding change: c.5755C>T on transcript NM_000051.4 (MANE Select); coding-DNA position 5755, C replaced by T.
Protein change: p.Gln1919Ter; replaces glutamine 1919 with a stop codon.
Molecular consequence: nonsense.
Genome position (GRCh38, 1-based): chr11:108,307,977, C>T. VCF-style: chr11-108307977-C-T. GRCh37 (hg19) VCF-style: chr11-108178704-C-T.
Other names: c.5755C>T, p.Gln1919Ter (NM_001351834.2); short protein forms Q1919*.
Identifiers: ClinVar variation 936134 (VCV000936134.9), dbSNP rs2083823146, ClinGen allele CA382548011.

ClinVar aggregate classification (germline): Pathogenic/Likely pathogenic. Review status: criteria provided, multiple submitters, no conflicts (2 of 4 stars). 3 submissions from 3 submitters: Pathogenic (1); Likely pathogenic (1). 1 of the submissions does not count toward it. Last evaluated 2023-12-29.

Conditions:
Ataxia-telangiectasia syndrome (AT). Also called: Cerebello-oculocutaneous telangiectasia; Immunodeficiency with ataxia telangiectasia; LOUIS-BAR SYNDROME; AT, COMPLEMENTATION GROUP C; ATAXIA-TELANGIECTASIA, COMPLEMENTATION GROUP A; ATAXIA-TELANGIECTASIA, FRESNO VARIANT. Identifiers: Orphanet 100, MedGen C0004135, MONDO:0008840, OMIM 208900.
Breast carcinoma. Also called: Carcinoma of breast. Identifiers: MedGen C0678222, MONDO:0004989, HP:0003002.
Familial cancer of breast. Also called: hereditary breast carcinoma; BREAST CANCER, FAMILIAL; Hereditary breast cancer. Identifiers: Orphanet 227535, MedGen C0346153, MONDO:0016419, OMIM 114480. Disease mechanism: loss of function.

Submissions (3):

Labcorp Genetics (formerly Invitae), Labcorp
Classification: Pathogenic for Ataxia-telangiectasia syndrome. Last evaluated: 2023-12-29. Review status: criteria provided, single submitter. Criteria: Invitae Variant Classification Sherloc (09022015). Collection method: clinical testing. Allele origin: germline.
Comment: This sequence change creates a premature translational stop signal (p.Gln1919*) in the ATM gene. It is expected to result in an absent or disrupted protein product. Loss-of-function variants in ATM are known to be pathogenic (PMID: 23807571, 25614872). This variant is not present in population databases (gnomAD no frequency). This premature translational stop signal has been observed in individual(s) with ATM-related cancer (PMID: 32658311). ClinVar contains an entry for this variant (Variation ID: 936134). For these reasons, this variant has been classified as Pathogenic.

Baylor Genetics
Classification: Likely pathogenic for Familial cancer of breast. Last evaluated: 2023-12-15. Review status: criteria provided, single submitter. Criteria: ACMG Guidelines, 2015. Collection method: clinical testing. Allele origin: unknown.

Medical Genetics Laboratory, Umraniye Training and Research Hospital, University of Health Sciences
Classification: Likely pathogenic for Breast carcinoma. Last evaluated: 2021-08-08. Review status: no assertion criteria provided. Collection method: clinical testing. Allele origin: germline. Affected: yes. Observed: 1 variant allele, 1 heterozygote. Not counted in ClinVar's aggregate classification.
Comment: INVASIVE DUCTAL CARCINOMA estrogen receptor: positive progesterone receptor: positive HER2 receptor: negative

Literature cited by the submitters: PubMed 23807571 (cited by Labcorp Genetics (formerly Invitae), Labcorp); PubMed 25614872 (cited by Labcorp Genetics (formerly Invitae), Labcorp); PubMed 32658311 (cited by Labcorp Genetics (formerly Invitae), Labcorp).